The following is an entry in ClinVar:

ClinVar aggregate classification (germline): Uncertain significance (1 of 4 stars; one submission).

Conditions:
Baller-Gerold syndrome (BGS). Also called: CRANIOSYNOSTOSIS WITH RADIAL DEFECTS. Identifiers: Orphanet 1225, MedGen C0265308, MONDO:0009039, OMIM 218600.

Submission:

Labcorp Genetics (formerly Invitae), Labcorp
Classification: Uncertain significance for Baller-Gerold syndrome. Last evaluated: 2023-03-31. Review status: criteria provided, single submitter. Criteria: Invitae Variant Classification Sherloc (09022015). Collection method: clinical testing. Allele origin: germline.
Comment: This sequence change replaces lysine, which is basic and polar, with asparagine, which is neutral and polar, at codon 1154 of the RECQL4 protein (p.Lys1154Asn). This variant is not present in population databases (gnomAD no frequency). This variant has not been reported in the literature in individuals affected with RECQL4-related conditions. ClinVar contains an entry for this variant (Variation ID: 953749). Advanced modeling of protein sequence and biophysical properties (such as structural, functional, and spatial information, amino acid conservation, physicochemical variation, residue mobility, and thermodynamic stability) performed at Invitae indicates that this missense variant is not expected to disrupt RECQL4 protein function. In summary, the available evidence is currently insufficient to determine the role of this variant in disease. Therefore, it has been classified as a Variant of Uncertain Significance.

NM_004260.4(RECQL4):c.3462G>C (p.Lys1154Asn)

Gene: RECQL4 (RecQ like helicase 4; minus strand). Cytogenetic location: 8q24.3.
Variant type: single nucleotide variant.
Coding change: c.3462G>C on transcript NM_004260.4 (MANE Select); coding-DNA position 3462, G replaced by C.
Protein change: p.Lys1154Asn; replaces lysine 1154 with asparagine.
Molecular consequence: missense variant.
Genome position (GRCh38, 1-based): chr8:144,511,721, C>G on the plus strand (G>C on the coding strand, the complement: RECQL4 is on the minus strand). VCF-style: chr8-144511721-C-G. GRCh37 (hg19) VCF-style: chr8-145737104-C-G.
Other names: short protein forms K1154N.
Identifiers: ClinVar variation 953749 (VCV000953749.5), dbSNP rs1439767800, ClinGen allele CA372666900.